The following is an entry in ClinVar:

NM_139318.5(KCNH5):c.1712G>C (p.Cys571Ser)

Gene: KCNH5 (potassium voltage-gated channel subfamily H member 5; minus strand). Cytogenetic location: 14q23.2.
Variant type: single nucleotide variant.
Coding change: c.1712G>C on transcript NM_139318.5 (MANE Select); coding-DNA position 1712, G replaced by C.
Protein change: p.Cys571Ser; replaces cysteine 571 with serine.
Molecular consequence: missense variant.
Genome position (GRCh38, 1-based): chr14:62,802,439, C>G on the plus strand (G>C on the coding strand, the complement: KCNH5 is on the minus strand). VCF-style: chr14-62802439-C-G. GRCh37 (hg19) VCF-style: chr14-63269157-C-G.
Other names: c.1712G>C, p.Cys571Ser (NM_172375.3); short protein forms C571S.
Identifiers: ClinVar variation 2093402 (VCV002093402.4), dbSNP rs766461972, ClinGen allele CA7217417.

ClinVar aggregate classification (germline): Uncertain significance (1 of 4 stars; one submission).

Conditions:
Early-infantile DEE. Also called: Ohtahara syndrome; Early infantile epileptic encephalopathy with suppression bursts; Early infantile epileptic encephalopathy. Identifiers: Orphanet 1934, MedGen C0393706, MONDO:0800491.

Allele frequency attached by ClinVar (database versions not stated): gnomAD exomes below 0.00001; ExAC 0.00001.
gnomAD v4.1: 3 of 1,614,132 alleles (0.00019%); highest among the groups gnomAD compares: Non-Finnish European, 0.000085%; no homozygotes.

Submission:

Labcorp Genetics (formerly Invitae), Labcorp
Classification: Uncertain significance for Early-infantile DEE. Last evaluated: 2025-07-27. Review status: criteria provided, single submitter. Criteria: Invitae Variant Classification Sherloc (09022015). Collection method: clinical testing. Allele origin: germline.
Comment: This sequence change replaces cysteine, which is neutral and slightly polar, with serine, which is neutral and polar, at codon 571 of the KCNH5 protein (p.Cys571Ser). This variant is present in population databases (rs766461972, gnomAD 0.0009%). This variant has not been reported in the literature in individuals affected with KCNH5-related conditions. ClinVar contains an entry for this variant (Variation ID: 2093402). Invitae Evidence Modeling of protein sequence and biophysical properties (such as structural, functional, and spatial information, amino acid conservation, physicochemical variation, residue mobility, and thermodynamic stability) indicates that this missense variant is not expected to disrupt KCNH5 protein function with a negative predictive value of 95%. In summary, the available evidence is currently insufficient to determine the role of this variant in disease. Therefore, it has been classified as a Variant of Uncertain Significance.